The following is an entry in ClinVar:

ClinVar aggregate classification (germline): Uncertain significance (1 of 4 stars; one submission).

Conditions:
Autoimmune lymphoproliferative syndrome type 2A (ALPS2A). Also called: CASP10-Related Autoimmune Lymphoproliferative Syndrome; AUTOIMMUNE LYMPHOPROLIFERATIVE SYNDROME, TYPE IIA; Autoimmune lymphoproliferative syndrome type 2. Identifiers: Orphanet 3261, MedGen C1858968, MONDO:0011383, OMIM 603909.

Submission:

Labcorp Genetics (formerly Invitae), Labcorp
Classification: Uncertain significance for Autoimmune lymphoproliferative syndrome type 2A. Last evaluated: 2025-10-21. Review status: criteria provided, single submitter. Criteria: Invitae Variant Classification Sherloc (09022015). Collection method: clinical testing. Allele origin: germline.
Comment: This sequence change creates a premature translational stop signal (p.Gly160Valfs*3) in the CASP10 gene. It is expected to result in an absent or disrupted protein product. However, the current clinical and genetic evidence is not sufficient to establish whether loss-of-function variants in CASP10 cause disease. This variant is present in population databases (rs766461320, gnomAD 0.04%). This variant has not been reported in the literature in individuals affected with CASP10-related conditions. ClinVar contains an entry for this variant (Variation ID: 953582). In summary, the available evidence is currently insufficient to determine the role of this variant in disease. Therefore, it has been classified as a Variant of Uncertain Significance.

NM_032977.4(CASP10):c.477del (p.Gly160fs)

Gene: CASP10 (caspase 10; plus strand). Cytogenetic location: 2q33.1.
Variant type: Deletion.
Coding change: c.477del on transcript NM_032977.4 (MANE Select); coding-DNA position 477, one base deleted (A; older notation c.477delA).
Protein change: p.Gly160fs; shifts the reading frame from glycine 160.
Molecular consequence: frameshift variant.
Genome position (GRCh38, 1-based): chr2:201,193,019, A deleted; the last of 2 consecutive A bases (chr2:201,193,018-201,193,019); deleting either gives the same sequence. VCF-style (leftmost placement, unchanged base first): chr2-201193017-CA-C. GRCh37 (hg19) VCF-style: chr2-202057740-CA-C.
Other names: c.477del, p.Gly160fs (NM_001206524.2, NM_001206542.2, NM_001230.5 and 3 more transcripts); short protein forms G160fs.
Identifiers: ClinVar variation 953582 (VCV000953582.10), dbSNP rs766461320, ClinGen allele CA2052884.